The following is an entry in ClinVar:

NM_001278116.2(L1CAM):c.910G>T (p.Glu304Ter)

Gene: L1CAM (L1 cell adhesion molecule; minus strand). Cytogenetic location: Xq28.
Variant type: single nucleotide variant.
Coding change: c.910G>T on transcript NM_001278116.2 (MANE Select); coding-DNA position 910, G replaced by T.
Protein change: p.Glu304Ter; replaces glutamic acid 304 with a stop codon.
Molecular consequence: nonsense.
Genome position (GRCh38, 1-based): chrX:153,870,137, C>A on the plus strand (G>T on the coding strand, the complement: L1CAM is on the minus strand). VCF-style: chrX-153870137-C-A. GRCh37 (hg19) VCF-style: chrX-153135592-C-A.
Other names: c.910G>T, p.Glu304Ter (NM_000425.5, NM_024003.3); c.895G>T, p.Glu299Ter (NM_001143963.2); short protein forms E299*, E304*.
Identifiers: ClinVar variation 862634 (VCV000862634.8), dbSNP rs201311640, ClinGen allele CA415131952.

ClinVar aggregate classification (germline): Pathogenic (1 of 4 stars; one submission).

Conditions:
Spastic paraplegia. Identifiers: MedGen C0037772, HP:0001258.

Submission:

Labcorp Genetics (formerly Invitae), Labcorp
Classification: Pathogenic for Spastic paraplegia. Last evaluated: 2019-02-05. Review status: criteria provided, single submitter. Criteria: Invitae Variant Classification Sherloc (09022015). Collection method: clinical testing. Allele origin: germline.
Comment: For these reasons, this variant has been classified as Pathogenic. Loss-of-function variants in L1CAM are known to be pathogenic (PMID: 19846429). This variant has not been reported in the literature in individuals with L1CAM-related conditions. This variant is not present in population databases (ExAC no frequency). This sequence change creates a premature translational stop signal (p.Glu304*) in the L1CAM gene. It is expected to result in an absent or disrupted protein product.

Literature cited by the submitters: PubMed 19846429.